The following is an entry in ClinVar:

ClinVar aggregate classification (germline): Uncertain significance (1 of 4 stars; one submission).

Conditions:
Periodic fever-infantile enterocolitis-autoinflammatory syndrome. Also called: Autoinflammation with infantile enterocolitis. Identifiers: Orphanet 436166, MedGen C4015067, MONDO:0014472, OMIM 616050.
Familial cold autoinflammatory syndrome 4 (FCAS4). Identifiers: Orphanet 47045, Orphanet 576349, MedGen C4015276, MONDO:0014498, OMIM 616115.

Submission:

Labcorp Genetics (formerly Invitae), Labcorp
Classification: Uncertain significance for Periodic fever-infantile enterocolitis-autoinflammatory syndrome; Familial cold autoinflammatory syndrome 4. Last evaluated: 2025-02-25. Review status: criteria provided, single submitter. Criteria: Invitae Variant Classification Sherloc (09022015). Collection method: clinical testing. Allele origin: germline.
Comment: This sequence change replaces proline, which is neutral and non-polar, with threonine, which is neutral and polar, at codon 640 of the NLRC4 protein (p.Pro640Thr). This variant is not present in population databases (gnomAD no frequency). This variant has not been reported in the literature in individuals affected with NLRC4-related conditions. Invitae Evidence Modeling of protein sequence and biophysical properties (such as structural, functional, and spatial information, amino acid conservation, physicochemical variation, residue mobility, and thermodynamic stability) indicates that this missense variant is not expected to disrupt NLRC4 protein function with a negative predictive value of 80%. In summary, the available evidence is currently insufficient to determine the role of this variant in disease. Therefore, it has been classified as a Variant of Uncertain Significance.

NM_001199138.2(NLRC4):c.1918C>A (p.Pro640Thr)

Gene: NLRC4 (NLR family CARD domain containing 4; minus strand). Cytogenetic location: 2p22.3.
Variant type: single nucleotide variant.
Coding change: c.1918C>A on transcript NM_001199138.2 (MANE Select); coding-DNA position 1918, C replaced by A.
Protein change: p.Pro640Thr; replaces proline 640 with threonine.
Molecular consequence: missense variant. On other transcripts: intron variant (1).
Genome position (GRCh38, 1-based): chr2:32,249,946, G>T on the plus strand (C>A on the coding strand, the complement: NLRC4 is on the minus strand). VCF-style: chr2-32249946-G-T. GRCh37 (hg19) VCF-style: chr2-32475015-G-T.
Other names: c.1918C>A, p.Pro640Thr (NM_021209.5, NM_001199139.2); c.262+2473C>A (NM_001302504.1); short protein forms P640T.
Identifiers: ClinVar variation 4782960 (VCV004782960.1).